The following is an entry in ClinVar:

NM_001347721.2(DYRK1A):c.1003A>T (p.Met335Leu)

Gene: DYRK1A (dual specificity tyrosine phosphorylation regulated kinase 1A; plus strand). Cytogenetic location: 21q22.13.
Variant type: single nucleotide variant.
Coding change: c.1003A>T on transcript NM_001347721.2 (MANE Select); coding-DNA position 1003, A replaced by T.
Protein change: p.Met335Leu; replaces methionine 335 with leucine.
Molecular consequence: missense variant.
Genome position (GRCh38, 1-based): chr21:37,493,095, A>T. VCF-style: chr21-37493095-A-T. GRCh37 (hg19) VCF-style: chr21-38865397-A-T.
Other names: c.1003A>T, p.Met335Leu (NM_001347722.2, NM_130436.2); c.916A>T, p.Met306Leu (NM_001347723.2); c.1030A>T, p.Met344Leu (NM_001396.5, NM_101395.2, NM_130438.2); short protein forms M335L, M344L, M306L.
Identifiers: ClinVar variation 3677188 (VCV003677188.2).

ClinVar aggregate classification (germline): Uncertain significance (1 of 4 stars; one submission).

Conditions:
DYRK1A-related intellectual disability syndrome (MRD7). Also called: DYRK1A Syndrome; Intellectual developmental disorder, autosomal dominant 7. Identifiers: Orphanet 464306, MedGen C5568143, MONDO:0013578, OMIM 614104.

Submission:

Labcorp Genetics (formerly Invitae), Labcorp
Classification: Uncertain significance for DYRK1A-related intellectual disability syndrome. Last evaluated: 2024-05-12. Review status: criteria provided, single submitter. Criteria: Invitae Variant Classification Sherloc (09022015). Collection method: clinical testing. Allele origin: germline.
Comment: This sequence change replaces methionine, which is neutral and non-polar, with leucine, which is neutral and non-polar, at codon 344 of the DYRK1A protein (p.Met344Leu). This variant is not present in population databases (gnomAD no frequency). This missense change has been observed in individual(s) with a neurodevelopmental disorder (PMID: 33562844). Advanced modeling of protein sequence and biophysical properties (such as structural, functional, and spatial information, amino acid conservation, physicochemical variation, residue mobility, and thermodynamic stability) performed at Invitae indicates that this missense variant is not expected to disrupt DYRK1A protein function with a negative predictive value of 80%. In summary, the available evidence is currently insufficient to determine the role of this variant in disease. Therefore, it has been classified as a Variant of Uncertain Significance.

Literature cited by the submitters: PubMed 33562844.